The following is an entry in ClinVar:

ClinVar aggregate classification (germline): Uncertain significance (1 of 4 stars; one submission).

Allele frequency attached by ClinVar (database versions not stated): gnomAD exomes below 0.00001; gnomAD 0.00001; TOPMed 0.00001.
gnomAD v4.1: 3 of 1,614,000 alleles (0.00019%); highest among the groups gnomAD compares: Middle Eastern, 0.033%; no homozygotes.

Submission:

Labcorp Genetics (formerly Invitae), Labcorp
Classification: Uncertain significance. Last evaluated: 2022-11-03. Review status: criteria provided, single submitter. Criteria: Invitae Variant Classification Sherloc (09022015). Collection method: clinical testing. Allele origin: germline.
Comment: This sequence change replaces aspartic acid, which is acidic and polar, with asparagine, which is neutral and polar, at codon 1733 of the FN1 protein (p.Asp1733Asn). In summary, the available evidence is currently insufficient to determine the role of this variant in disease. Therefore, it has been classified as a Variant of Uncertain Significance. Algorithms developed to predict the effect of missense changes on protein structure and function are either unavailable or do not agree on the potential impact of this missense change (SIFT: "Not Available"; PolyPhen-2: "Possibly Damaging"; Align-GVGD: "Not Available"). This variant has not been reported in the literature in individuals affected with FN1-related conditions. This variant is not present in population databases (gnomAD no frequency).

NM_212482.4(FN1):c.5197G>A (p.Asp1733Asn)

Gene: FN1 (fibronectin 1; minus strand). Cytogenetic location: 2q35.
Variant type: single nucleotide variant.
Coding change: c.5197G>A on transcript NM_212482.4 (MANE Select); coding-DNA position 5197, G replaced by A.
Protein change: p.Asp1733Asn; replaces aspartic acid 1733 with asparagine.
Molecular consequence: missense variant. On other transcripts: intron variant (10).
Genome position (GRCh38, 1-based): chr2:215,381,048, C>T on the plus strand (G>A on the coding strand, the complement: FN1 is on the minus strand). VCF-style: chr2-215381048-C-T. GRCh37 (hg19) VCF-style: chr2-216245771-C-T.
Other names: c.4891+1164G>A (NM_001306132.2, NM_001365523.2, NM_001306131.2 and 2 more transcripts); c.5164+1164G>A (NM_001306130.2, NM_001365522.2, NM_001365519.2 and 2 more transcripts); c.5197G>A, p.Asp1733Asn (NM_001306129.2); c.4924G>A, p.Asp1642Asn (NM_001365518.2, NM_001365520.2, NM_001365524.2 and 2 more transcripts); short protein forms D1642N, D1733N.
Identifiers: ClinVar variation 2789144 (VCV002789144.3), dbSNP rs1254373424, ClinGen allele CA350474896.